The following is an entry in ClinVar:

ClinVar aggregate classification (germline): Uncertain significance (1 of 4 stars; one submission).

Conditions:
Hermansky-Pudlak syndrome 2 (HPS2). Also called: Platelet defects and oculocutaneous albinism. Identifiers: Orphanet 183678, Orphanet 79430, MedGen C1842362, MONDO:0011997, OMIM 608233.

Allele frequency attached by ClinVar (database versions not stated): gnomAD exomes below 0.00001.

Submission:

Labcorp Genetics (formerly Invitae), Labcorp
Classification: Uncertain significance for Hermansky-Pudlak syndrome 2. Last evaluated: 2022-07-15. Review status: criteria provided, single submitter. Criteria: Invitae Variant Classification Sherloc (09022015). Collection method: clinical testing. Allele origin: germline.
Comment: This variant has not been reported in the literature in individuals affected with AP3B1-related conditions. This sequence change falls in intron 3 of the AP3B1 gene. It does not directly change the encoded amino acid sequence of the AP3B1 protein. This variant is not present in population databases (gnomAD no frequency). Algorithms developed to predict the effect of sequence changes on RNA splicing suggest that this variant may create or strengthen a splice site. In summary, the available evidence is currently insufficient to determine the role of this variant in disease. Therefore, it has been classified as a Variant of Uncertain Significance.

NM_003664.5(AP3B1):c.280-4_280-3insG

Gene: AP3B1 (adaptor related protein complex 3 subunit beta 1; minus strand). Cytogenetic location: 5q14.1.
Variant type: Insertion.
Coding change: c.280-4_280-3insG on transcript NM_003664.5 (MANE Select); 4 bases into the intron before coding-DNA position 280 through 3 bases into the intron before coding-DNA position 280, G inserted.
Molecular consequence: intron variant.
Genome position: GRCh38 VCF-style: chr5-78228242-G-GC. GRCh37 (hg19) VCF-style: chr5-77524066-G-GC.
Other names: c.133-4_133-3insG (NM_001271769.2).
Identifiers: ClinVar variation 1919939 (VCV001919939.4), dbSNP rs2478720435, ClinGen allele CA2578344751.